The following is an entry in ClinVar:

NM_001243133.2(NLRP3):c.329G>C (p.Ser110Thr)

Gene: NLRP3 (NLR family pyrin domain containing 3; plus strand). Cytogenetic location: 1q44.
Variant type: single nucleotide variant.
Coding change: c.329G>C on transcript NM_001243133.2 (MANE Select); coding-DNA position 329, G replaced by C.
Protein change: p.Ser110Thr; replaces serine 110 with threonine.
Molecular consequence: missense variant.
Genome position (GRCh38, 1-based): chr1:247,423,281, G>C. VCF-style: chr1-247423281-G-C. GRCh37 (hg19) VCF-style: chr1-247586583-G-C.
Other names: c.329G>C, p.Ser110Thr (NM_001079821.3, NM_001127461.3, NM_001127462.3 and 1 more transcripts); c.335G>C, p.Ser112Thr (NM_004895.5); short protein forms S110T, S112T.
Identifiers: ClinVar variation 3250642 (VCV003250642.18), dbSNP rs202050558.

ClinVar aggregate classification (germline): Uncertain significance (1 of 4 stars; one submission).

gnomAD v4.1: 2 of 1,613,424 alleles (0.00012%); highest among the groups gnomAD compares: South Asian, 0.0011%; no homozygotes.

Submission:

CeGaT Center for Human Genetics Tuebingen
Classification: Uncertain significance. Last evaluated: 2024-07-01. Review status: criteria provided, single submitter. Criteria: CeGaT Center For Human Genetics Tuebingen Variant Classification Criteria Version 2. Collection method: clinical testing. Allele origin: germline. Affected: yes. Observed: 1 variant allele.
Comment: NLRP3: PM2, BP4